The following is an entry in ClinVar:

NM_181776.3(SLC36A2):c.496A>G (p.Ile166Val)

Gene: SLC36A2 (solute carrier family 36 member 2; minus strand). Cytogenetic location: 5q33.1.
Variant type: single nucleotide variant.
Coding change: c.496A>G on transcript NM_181776.3 (MANE Select); coding-DNA position 496, A replaced by G.
Protein change: p.Ile166Val; replaces isoleucine 166 with valine.
Molecular consequence: missense variant.
Genome position (GRCh38, 1-based): chr5:151,339,089, T>C on the plus strand (A>G on the coding strand, the complement: SLC36A2 is on the minus strand). VCF-style: chr5-151339089-T-C. GRCh37 (hg19) VCF-style: chr5-150718650-T-C.
Other names: short protein forms I166V.
Identifiers: ClinVar variation 2844614 (VCV002844614.3), dbSNP rs2479822422, ClinGen allele CA361815526.

ClinVar aggregate classification (germline): Uncertain significance (1 of 4 stars; one submission).

Submission:

Labcorp Genetics (formerly Invitae), Labcorp
Classification: Uncertain significance. Last evaluated: 2023-03-09. Review status: criteria provided, single submitter. Criteria: Invitae Variant Classification Sherloc (09022015). Collection method: clinical testing. Allele origin: germline.
Comment: Advanced modeling of protein sequence and biophysical properties (such as structural, functional, and spatial information, amino acid conservation, physicochemical variation, residue mobility, and thermodynamic stability) performed at Invitae indicates that this missense variant is not expected to disrupt SLC36A2 protein function. Algorithms developed to predict the effect of sequence changes on RNA splicing suggest that this variant may create or strengthen a splice site. In summary, the available evidence is currently insufficient to determine the role of this variant in disease. Therefore, it has been classified as a Variant of Uncertain Significance. This variant has not been reported in the literature in individuals affected with SLC36A2-related conditions. This variant is not present in population databases (gnomAD no frequency). This sequence change replaces isoleucine, which is neutral and non-polar, with valine, which is neutral and non-polar, at codon 166 of the SLC36A2 protein (p.Ile166Val).